The following is an entry in ClinVar:

ClinVar aggregate classification (germline): Uncertain significance. Review status: criteria provided, multiple submitters, no conflicts (2 of 4 stars). 3 submissions from 3 submitters: Uncertain significance (3). Last evaluated 2026-01-20.

Conditions:
Inborn genetic diseases. Identifiers: MedGen C0950123, MeSH D030342.
Pityriasis rubra pilaris (PRP). Also called: Pityriasis rubra pilaris--familial type. Identifiers: Orphanet 2897, MedGen C0032027, MONDO:0100017, OMIM 173200, MONDO:0008251.
Psoriasis 2. Identifiers: MedGen C1864497, MONDO:0011269, OMIM 602723.

gnomAD v4.1: 3 of 1,587,664 alleles (0.00019%); highest among the groups gnomAD compares: Non-Finnish European, 0.00026%; no homozygotes.

Submissions (3):

Clinical Genomics Laboratory, Washington University in St. Louis
Classification: Uncertain significance for Psoriasis 2; Pityriasis rubra pilaris. Last evaluated: 2026-01-20. Review status: criteria provided, single submitter. Criteria: ACMG Guidelines, 2015. Collection method: clinical testing. Allele origin: germline.
Comment: A CARD14 c.925C>G (p.Arg309Gly) variant was identified at a near heterozygous allelic fraction of 49.3%, a frequency which may be consistent with germline origin. This variant, to our knowledge, has not been reported in the medical literature but has been reported in the ClinVar database as a germline variant of uncertain significance by two submitters (ClinVar Variation ID: 2187540). It is only observed in 3/1,587,664 alleles in the general population (gnomAD v4.1.0), indicating it is not a common variant. Computational predictors suggest that the variant does not impact CARD14 function. Due to limited information, and based on ACMG/AMP guidelines for variant interpretation (Richards S et al., PMID: 25741868), the clinical significance of this variant is uncertain at this time.

Ambry Genetics
Classification: Uncertain significance for Inborn genetic diseases. Last evaluated: 2025-07-01. Review status: criteria provided, single submitter. Criteria: Ambry Variant Classification Scheme 2023. Collection method: clinical testing. Allele origin: germline.

Labcorp Genetics (formerly Invitae), Labcorp
Classification: Uncertain significance for Pityriasis rubra pilaris; Psoriasis 2. Last evaluated: 2025-05-12. Review status: criteria provided, single submitter. Criteria: Invitae Variant Classification Sherloc (09022015). Collection method: clinical testing. Allele origin: germline.
Comment: This sequence change replaces arginine, which is basic and polar, with glycine, which is neutral and non-polar, at codon 309 of the CARD14 protein (p.Arg309Gly). This variant is present in population databases (rs371741250, gnomAD 0.004%). This variant has not been reported in the literature in individuals affected with CARD14-related conditions. ClinVar contains an entry for this variant (Variation ID: 2187540). Invitae Evidence Modeling of protein sequence and biophysical properties (such as structural, functional, and spatial information, amino acid conservation, physicochemical variation, residue mobility, and thermodynamic stability) has been performed for this missense variant. However, the output from this modeling did not meet the statistical confidence thresholds required to predict the impact of this variant on CARD14 protein function. In summary, the available evidence is currently insufficient to determine the role of this variant in disease. Therefore, it has been classified as a Variant of Uncertain Significance.

Literature cited by the submitters: uncertain (cited by Clinical Genomics Laboratory, Washington University in St. Louis).

NM_001366385.1(CARD14):c.925C>G (p.Arg309Gly)

Gene: CARD14 (caspase recruitment domain family member 14; plus strand). Cytogenetic location: 17q25.3.
Variant type: single nucleotide variant.
Coding change: c.925C>G on transcript NM_001366385.1 (MANE Select); coding-DNA position 925, C replaced by G.
Protein change: p.Arg309Gly; replaces arginine 309 with glycine.
Molecular consequence: missense variant. On other transcripts: non-coding transcript variant (1).
Genome position (GRCh38, 1-based): chr17:80,189,834, C>G. VCF-style: chr17-80189834-C-G. GRCh37 (hg19) VCF-style: chr17-78163633-C-G.
Other names: c.925C>G, p.Arg309Gly (NM_001257970.1, NM_024110.4); c.214C>G, p.Arg72Gly (NM_052819.3); c.925C>G (NM_024110.3); short protein forms R309G, R72G.
Identifiers: ClinVar variation 2187540 (VCV002187540.6), dbSNP rs371741250, ClinGen allele CA8816576.
Genomic context (GRCh38, chr17:80,189,834, plus strand): 5'-CAGAGCCTGGACGAGGCGCGGGGGAGCCGACAGGAGCTGGTGGAGCGCATCCACTCGCTG[C>G]GGGAGCGGGCCGTGGCTGCCGAGAGGCAGCGAGAGCAGGTGCCGTGTGAGCCCTTCCTCC-3'
Protein context (NP_001353314.1, residues 299-319): QELVERIHSL[Arg309Gly]ERAVAAERQR